The following is an entry in ClinVar:

NM_001042492.3(NF1):c.5477A>G (p.His1826Arg)

Gene: NF1 (neurofibromin 1; plus strand). Cytogenetic location: 17q11.2.
Variant type: single nucleotide variant.
Coding change: c.5477A>G on transcript NM_001042492.3 (MANE Select); coding-DNA position 5477, A replaced by G.
Protein change: p.His1826Arg; replaces histidine 1826 with arginine.
Molecular consequence: missense variant.
Genome position (GRCh38, 1-based): chr17:31,327,707, A>G. VCF-style: chr17-31327707-A-G. GRCh37 (hg19) VCF-style: chr17-29654725-A-G.
Other names: c.5414A>G, p.His1805Arg (NM_000267.4); short protein forms H1805R, H1826R.
Identifiers: ClinVar variation 237575 (VCV000237575.11), dbSNP rs878853902, ClinGen allele CA10583512.

ClinVar aggregate classification (germline): Uncertain significance. Review status: criteria provided, multiple submitters, no conflicts (2 of 4 stars). 4 submissions from 4 submitters: Uncertain significance (4). Last evaluated 2022-03-15.

Conditions:
Cardiovascular phenotype. Identifiers: MedGen CN230736.
Hereditary cancer-predisposing syndrome. Also called: Tumor predisposition; Hereditary Cancer Syndrome; Hereditary neoplastic syndrome; Neoplastic Syndromes, Hereditary. Identifiers: Orphanet 140162, MedGen C0027672, MeSH D009386, MONDO:0015356.
Neurofibromatosis, type 1 (NF1). Also called: VON RECKLINGHAUSEN DISEASE; NEUROFIBROMATOSIS, TYPE I, SOMATIC; Peripheral type neurofibromatosis; Neurofibromatosis, type I. Identifiers: Orphanet 636, MedGen C0027831, MONDO:0018975, OMIM 162200. Disease mechanism: loss of function.

Allele frequency attached by ClinVar (database versions not stated): gnomAD exomes below 0.00001.
gnomAD v4.1: 2 of 1,614,144 alleles (0.00012%); highest among the groups gnomAD compares: Non-Finnish European, 0.00017%; no homozygotes.

Submissions (4):

Genome-Nilou Lab
Classification: Uncertain significance for Neurofibromatosis, type 1. Last evaluated: 2022-03-15. Review status: criteria provided, single submitter. Criteria: ACMG Guidelines, 2015. Collection method: clinical testing. Allele origin: germline. Affected: no.

Sema4
Classification: Uncertain significance for Hereditary cancer-predisposing syndrome. Last evaluated: 2021-09-16. Review status: criteria provided, single submitter. Criteria: Sema4 Curation Guidelines. Collection method: curation. Allele origin: germline.
Comment: The NF1 c.5414A>G (p.H1805R) variant has not been reported in the literature to our knowledge. It was not observed in the large and broad cohorts of the Genome Aggregation Database, but has been reported in ClinVar (Variation ID 237575). In silico tools suggest the impact of the variant on protein function is deleterious, though these predictions have not been confirmed by functional studies. The evidence is insufficient to meet ACMG/AMP criteria for classifying the variant as benign or pathogenic. Thus, the clinical significance of this variant is currently uncertain.

Ambry Genetics
Classification: Uncertain significance for Cardiovascular phenotype; Hereditary cancer-predisposing syndrome. Last evaluated: 2018-06-20. Review status: criteria provided, single submitter. Criteria: Ambry Variant Classification Scheme 2023. Collection method: clinical testing. Allele origin: germline.
Comment: The p.H1805R variant (also known as c.5414A>G), located in coding exon 37 of the NF1 gene, results from an A to G substitution at nucleotide position 5414. The histidine at codon 1805 is replaced by arginine, an amino acid with highly similar properties. This amino acid position is highly conserved in available vertebrate species. In addition, this alteration is predicted to be deleterious by in silico analysis. Since supporting evidence is limited at this time, the clinical significance of this alteration remains unclear.

Labcorp Genetics (formerly Invitae), Labcorp
Classification: Uncertain significance for Neurofibromatosis, type 1. Last evaluated: 2017-05-11. Review status: criteria provided, single submitter. Criteria: Invitae Variant Classification Sherloc (09022015). Collection method: clinical testing. Allele origin: germline.
Comment: In summary, this is a novel missense change with uncertain impact on protein function. It has been classified as a Variant of Uncertain Significance. Algorithms developed to predict the effect of missense changes on protein structure and function do not agree on the potential impact of this missense change (SIFT: "Deleterious"; PolyPhen-2: "Possibly Damaging"; Align-GVGD: "Class C0"). This variant is not present in population databases (ExAC no frequency) and has not been reported in the literature in individuals with a NF1-related disease. ClinVar contains an entry for this variant (Variation ID: 237575). This sequence change replaces histidine with arginine at codon 1805 of the NF1 protein (p.His1805Arg). The histidine residue is moderately conserved and there is a small physicochemical difference between histidine and arginine.